The following is an entry in ClinVar:

ClinVar aggregate classification (germline): Likely benign. Review status: criteria provided, multiple submitters, no conflicts (2 of 4 stars). 2 submissions from 2 submitters: Likely benign (2). Last evaluated 2026-04-01.

Conditions:
Neuropathy, hereditary sensory, type 2C. Also called: Hereditary sensory and autonomic neuropathy type IIC; KIF1A-Related HSAN2 (HSAN2C). Identifiers: Orphanet 970, MedGen C3280168, MONDO:0013634, OMIM 614213.
Intellectual disability, autosomal dominant 9 (NESCAVS). Also called: KIF1A-Related Neurodevelopmental Disorder; NESCAV SYNDROME. Identifiers: Orphanet 662367, MedGen C5393830, MONDO:0013656, OMIM 614255.
Hereditary spastic paraplegia 30. Identifiers: Orphanet 101010, MedGen C5235139, MONDO:0012476.

Allele frequency attached by ClinVar (database versions not stated): gnomAD 0.00001; 1000 Genomes Project 30x 0.00016; 1000 Genomes Project 0.00020.

Submissions (2):

CeGaT Center for Human Genetics Tuebingen
Classification: Likely benign. Last evaluated: 2026-04-01. Review status: criteria provided, single submitter. Criteria: CeGaT Center For Human Genetics Tuebingen Variant Classification Criteria Version 2. Collection method: clinical testing. Allele origin: germline. Affected: yes. Observed: 1 variant allele.
Comment: KIF1A: BP4, BP7

Labcorp Genetics (formerly Invitae), Labcorp
Classification: Likely benign for Hereditary spastic paraplegia 30; Neuropathy, hereditary sensory, type 2C; Intellectual disability, autosomal dominant 9. Last evaluated: 2025-09-27. Review status: criteria provided, single submitter. Criteria: Invitae Variant Classification Sherloc (09022015). Collection method: clinical testing. Allele origin: germline.

NM_001244008.2(KIF1A):c.3081C>T (p.Cys1027=)

Gene: KIF1A (kinesin family member 1A; minus strand). Cytogenetic location: 2q37.3.
Variant type: single nucleotide variant.
Coding change: c.3081C>T on transcript NM_001244008.2 (MANE Select); coding-DNA position 3081, C replaced by T.
Protein change: p.Cys1027=; no amino-acid change (cysteine 1027 retained).
Molecular consequence: synonymous variant.
Genome position (GRCh38, 1-based): chr2:240,746,160, G>A on the plus strand (C>T on the coding strand, the complement: KIF1A is on the minus strand). VCF-style: chr2-240746160-G-A. GRCh37 (hg19) VCF-style: chr2-241685577-G-A.
Other names: c.2805C>T, p.Cys935= (NM_001320705.2, NM_001330289.2, NM_001379638.1); c.2880C>T, p.Cys960= (NM_001330290.2, NM_001379634.1, NM_001379635.1 and 1 more transcripts); c.3156C>T, p.Cys1052= (NM_001379631.1); c.3030C>T, p.Cys1010= (NM_001379632.1); c.3054C>T, p.Cys1018= (NM_001379633.1, NM_001379642.1, NM_001379645.1); c.2778C>T, p.Cys926= (NM_001379636.1, NM_001379639.1, NM_001379640.1 and 6 more transcripts); c.2853C>T, p.Cys951= (NM_001379637.1, NM_001379648.1).
Identifiers: ClinVar variation 1528700 (VCV001528700.10), dbSNP rs527351529, ClinGen allele CA2207907.